The following is an entry in ClinVar:

NM_004415.4(DSP):c.5999C>T (p.Ser2000Leu)

Gene: DSP (desmoplakin; plus strand). Cytogenetic location: 6p24.3.
Variant type: single nucleotide variant.
Coding change: c.5999C>T on transcript NM_004415.4 (MANE Select); coding-DNA position 5999, C replaced by T.
Protein change: p.Ser2000Leu; replaces serine 2000 with leucine.
Molecular consequence: missense variant.
Genome position (GRCh38, 1-based): chr6:7,583,261, C>T. VCF-style: chr6-7583261-C-T. GRCh37 (hg19) VCF-style: chr6-7583494-C-T.
Other names: c.4202C>T, p.Ser1401Leu (NM_001008844.3); c.4670C>T, p.Ser1557Leu (NM_001319034.2); short protein forms S1401L, S1557L, S2000L.
Identifiers: ClinVar variation 3894103 (VCV003894103.1).

ClinVar aggregate classification (germline): Uncertain significance (1 of 4 stars; one submission).

Conditions:
Cardiomyopathy (CMYO). Also called: Cardiomyopathies. Identifiers: Orphanet 167848, MedGen C0878544, MONDO:0004994, HP:0001638. Inheritance: Various modes of inheritance.

gnomAD v4.1: 2 of 1,614,190 alleles (0.00012%); highest among the groups gnomAD compares: Non-Finnish European, 0.00017%; no homozygotes.

Submission:

Color Diagnostics, LLC DBA Color Health
Classification: Uncertain significance for Cardiomyopathy. Last evaluated: 2024-08-26. Review status: criteria provided, single submitter. Criteria: ACMG Guidelines, 2015. Collection method: clinical testing. Allele origin: germline.
Comment: This missense variant replaces serine with leucine at codon 2000 of the DSP protein. Computational prediction suggests that this variant may not impact protein structure and function (internally defined REVEL score threshold <= 0.5, PMID: 27666373). To our knowledge, functional studies have not been reported for this variant. This variant has not been reported in individuals affected with DSP-related disorders in the literature. This variant has not been identified in the general population by the Genome Aggregation Database (gnomAD). The available evidence is insufficient to determine the role of this variant in disease conclusively. Therefore, this variant is classified as a Variant of Uncertain Significance.